The following is an entry in ClinVar:

NM_016373.4(WWOX):c.517-108205A>C

Gene: WWOX (WW domain containing oxidoreductase; plus strand). Cytogenetic location: 16q23.1.
Variant type: single nucleotide variant.
Coding change: c.517-108205A>C on transcript NM_016373.4 (MANE Select); 108205 bases into the intron before coding-DNA position 517, A replaced by C.
Molecular consequence: intron variant. On other transcripts: stop lost (1), non-coding transcript variant (1).
Genome position (GRCh38, 1-based): chr16:78,278,655, A>C. VCF-style: chr16-78278655-A-C. GRCh37 (hg19) VCF-style: chr16-78312552-A-C.
Other names: c.569A>C, p.Ter190Ser (NM_130791.5); c.178-108205A>C (NM_001291997.2); c.569A>C (NM_130791.3).
Identifiers: ClinVar variation 1708910 (VCV001708910.28), dbSNP rs111447549, ClinGen allele CA8183291.

ClinVar aggregate classification (germline): Benign/Likely benign. Review status: criteria provided, multiple submitters, no conflicts (2 of 4 stars). 4 submissions from 4 submitters: Benign (1); Likely benign (2). 1 of the submissions does not count toward it. Last evaluated 2024-10-16.

Conditions:
WWOX-related disorder. Also called: WWOX-related condition.

Allele frequency attached by ClinVar (database versions not stated): 1000 Genomes Project 30x 0.00281; 1000 Genomes Project 0.00300; gnomAD 0.00328; ESP Exome Variant Server 0.00392.
gnomAD v4.1: 901 of 1,609,972 alleles (0.056%); highest among the groups gnomAD compares: African/African-American, 1.1%; 5 homozygotes.

Submissions (4):

Blueprint Genetics
Classification: Likely benign. Last evaluated: 2024-10-16. Review status: criteria provided, single submitter. Criteria: ACMG Guidelines, 2015. Collection method: clinical testing. Allele origin: germline.

CeGaT Center for Human Genetics Tuebingen
Classification: Benign. Last evaluated: 2022-07-01. Review status: criteria provided, single submitter. Criteria: CeGaT Center For Human Genetics Tuebingen Variant Classification Criteria Version 2. Collection method: clinical testing. Allele origin: germline. Affected: yes. Observed: 2 variant alleles.
Comment: WWOX: BS1, BS2

GeneDx
Classification: Likely benign. Last evaluated: 2022-04-06. Review status: criteria provided, single submitter. Criteria: GeneDx Variant Classification Process June 2021. Collection method: clinical testing. Allele origin: germline. Affected: yes.

PreventionGenetics, part of Exact Sciences
Classification: Likely benign for WWOX-related condition. Last evaluated: 2019-07-08. Review status: no assertion criteria provided. Collection method: clinical testing. Allele origin: germline. Not counted in ClinVar's aggregate classification.
Comment: This variant is classified as likely benign based on ACMG/AMP sequence variant interpretation guidelines (Richards et al. 2015 PMID: 25741868, with internal and published modifications).